The following is an entry in ClinVar:

ClinVar aggregate classification (germline): Uncertain significance. Review status: criteria provided, multiple submitters, no conflicts (2 of 4 stars). 2 submissions from 2 submitters: Uncertain significance (2). Last evaluated 2023-11-06.

Conditions:
Neuronopathy, distal hereditary motor, autosomal recessive 5. Also called: NEUROPATHY, DISTAL HEREDITARY MOTOR, AUTOSOMAL RECESSIVE 5; Spinal muscular atrophy, distal, autosomal recessive, 5; Young adult-onset distal hereditary motor neuropathy. Identifiers: Orphanet 314485, Orphanet 443950, MedGen C4749918, MONDO:0013947, OMIM 614881.
Inborn genetic diseases. Identifiers: MedGen C0950123, MeSH D030342.

Allele frequency attached by ClinVar (database versions not stated): gnomAD exomes below 0.00001 and 0.00002.
gnomAD v4.1: 5 of 1,614,220 alleles (0.00031%); highest among the groups gnomAD compares: East Asian, 0.0089%; no homozygotes.

Submissions (2):

Ambry Genetics
Classification: Uncertain significance for Inborn genetic diseases. Last evaluated: 2023-11-06. Review status: criteria provided, single submitter. Criteria: Ambry Variant Classification Scheme 2023. Collection method: clinical testing. Allele origin: germline.

Labcorp Genetics (formerly Invitae), Labcorp
Classification: Uncertain significance for Neuronopathy, distal hereditary motor, autosomal recessive 5. Last evaluated: 2019-03-15. Review status: criteria provided, single submitter. Criteria: Invitae Variant Classification Sherloc (09022015). Collection method: clinical testing. Allele origin: germline.
Comment: In summary, the available evidence is currently insufficient to determine the role of this variant in disease. Therefore, it has been classified as a Variant of Uncertain Significance. Algorithms developed to predict the effect of missense changes on protein structure and function (SIFT, PolyPhen-2, Align-GVGD) all suggest that this variant is likely to be tolerated, but these predictions have not been confirmed by published functional studies and their clinical significance is uncertain. This variant has not been reported in the literature in individuals with DNAJB2-related conditions. This variant is not present in population databases (ExAC no frequency). This sequence change replaces threonine with asparagine at codon 95 of the DNAJB2 protein (p.Thr95Asn). The threonine residue is moderately conserved and there is a small physicochemical difference between threonine and asparagine.

NM_006736.6(DNAJB2):c.284C>A (p.Thr95Asn)

Gene: DNAJB2 (DnaJ heat shock protein family (Hsp40) member B2; plus strand). Cytogenetic location: 2q35.
Variant type: single nucleotide variant.
Coding change: c.284C>A on transcript NM_006736.6 (MANE Select); coding-DNA position 284, C replaced by A.
Protein change: p.Thr95Asn; replaces threonine 95 with asparagine.
Molecular consequence: missense variant.
Genome position (GRCh38, 1-based): chr2:219,281,993, C>A. VCF-style: chr2-219281993-C-A. GRCh37 (hg19) VCF-style: chr2-220146715-C-A.
Other names: c.284C>A, p.Thr95Asn (NM_001039550.2); short protein forms T95N.
Identifiers: ClinVar variation 861066 (VCV000861066.11), dbSNP rs1314160406, ClinGen allele CA350648058.
Genomic context (GRCh38, chr2:219,281,993, plus strand): 5'-TTCCAGGAACTGGCCCATCTCGGGCAGAAGCTGGCAGTGGTGGGCCTGGCTTCACCTTCA[C>A]CTTCCGCAGCCCCGAGGAGGTCTTCCGGGAATTCTTTGGGAGTGGAGACCCTTTTGCAGA-3'
Protein context (NP_006727.2, residues 85-105): AGSGGPGFTF[Thr95Asn]FRSPEEVFRE